The following is an entry in ClinVar:

ClinVar aggregate classification (germline): Likely benign (1 of 4 stars; one submission).

gnomAD v4.1: 10 of 1,601,274 alleles (0.00062%); highest among the groups gnomAD compares: African/African-American, 0.0027%; no homozygotes.

Submission:

CeGaT Center for Human Genetics Tuebingen
Classification: Likely benign. Last evaluated: 2025-07-01. Review status: criteria provided, single submitter. Criteria: CeGaT Center For Human Genetics Tuebingen Variant Classification Criteria Version 2. Collection method: clinical testing. Allele origin: germline. Affected: yes. Observed: 1 variant allele.
Comment: ADGRL1: BP4, BP7

NM_014921.5(ADGRL1):c.1686G>T (p.Ala562=)

Genes: ADGRL1 (adhesion G protein-coupled receptor L1; minus strand), ADGRL1-AS1 (ADGRL1 antisense RNA 1; plus strand). Cytogenetic location: 19p13.12.
Variant type: single nucleotide variant.
Coding change: c.1686G>T on transcript NM_014921.5 (MANE Select); coding-DNA position 1686, G replaced by T.
Protein change: p.Ala562=; no amino-acid change (alanine 562 retained).
Molecular consequence: synonymous variant.
Genome position (GRCh38, 1-based): chr19:14,160,226, C>A on the plus strand (G>T on the coding strand, the complement: ADGRL1 is on the minus strand). VCF-style: chr19-14160226-C-A. GRCh37 (hg19) VCF-style: chr19-14271038-C-A.
Other names: c.1701G>T, p.Ala567= (NM_001008701.3).
Identifiers: ClinVar variation 4083847 (VCV004083847.8).
Genomic context (GRCh38, chr19:14,160,226, plus strand): 5'-CTGGGCATCCAGGATGTCCAGCAGCTGCTCCATCAGCTTCACAGAGGAGGAGACGTCCCC[C>A]GCGTAGATGGAGCCCCGGGTGTGTCGGGCCAGCTCGCTGGCGATGTTGGCCGCGTTCTCC-3'
Protein context (NP_055736.2, residues 552-572): LARHTRGSIY[Ala562=]GDVSSSVKLM